The following is an entry in ClinVar:

ClinVar aggregate classification (germline): Uncertain significance. Review status: criteria provided, multiple submitters, no conflicts (2 of 4 stars). 2 submissions from 2 submitters: Uncertain significance (2). Last evaluated 2025-04-21.

Conditions:
Inborn genetic diseases. Identifiers: MedGen C0950123, MeSH D030342.

Allele frequency attached by ClinVar (database versions not stated): TOPMed below 0.00001; gnomAD exomes 0.00001.
gnomAD v4.1: 9 of 1,551,752 alleles (0.00058%); highest among the groups gnomAD compares: Non-Finnish European, 0.00078%; no homozygotes.

Submissions (2):

Ambry Genetics
Classification: Uncertain significance for Inborn genetic diseases. Last evaluated: 2025-04-21. Review status: criteria provided, single submitter. Criteria: Ambry Variant Classification Scheme 2023. Collection method: clinical testing. Allele origin: germline.

Labcorp Genetics (formerly Invitae), Labcorp
Classification: Uncertain significance. Last evaluated: 2022-10-17. Review status: criteria provided, single submitter. Criteria: Invitae Variant Classification Sherloc (09022015). Collection method: clinical testing. Allele origin: germline.
Comment: This sequence change replaces aspartic acid, which is acidic and polar, with asparagine, which is neutral and polar, at codon 2930 of the EYS protein (p.Asp2930Asn). This variant is not present in population databases (gnomAD no frequency). This variant has not been reported in the literature in individuals affected with EYS-related conditions. Algorithms developed to predict the effect of missense changes on protein structure and function output the following: SIFT: "Tolerated"; PolyPhen-2: "Benign"; Align-GVGD: "Class C0". The asparagine amino acid residue is found in multiple mammalian species, which suggests that this missense change does not adversely affect protein function. In summary, the available evidence is currently insufficient to determine the role of this variant in disease. Therefore, it has been classified as a Variant of Uncertain Significance.

NM_001142800.2(EYS):c.8788G>A (p.Asp2930Asn)

Genes: EYS (eyes shut homolog; minus strand), PHF3 (PHD finger protein 3; plus strand). Cytogenetic location: 6q12.
Variant type: single nucleotide variant.
Coding change: c.8788G>A on transcript NM_001142800.2 (MANE Select); coding-DNA position 8788, G replaced by A.
Protein change: p.Asp2930Asn; replaces aspartic acid 2930 with asparagine.
Molecular consequence: missense variant. On other transcripts: 3 prime UTR variant (5).
Genome position (GRCh38, 1-based): chr6:63,721,243, C>T on the plus strand (G>A on the coding strand, the complement: EYS is on the minus strand). VCF-style: chr6-63721243-C-T. GRCh37 (hg19) VCF-style: chr6-64431139-C-T.
Other names: c.*7535C>T (NM_001290259.2, NM_001370348.2, NM_001370349.2 and 2 more transcripts); c.8851G>A, p.Asp2951Asn (NM_001292009.2); c.8788G>A (NM_001142800.1); short protein forms D2930N, D2951N.
Identifiers: ClinVar variation 2144249 (VCV002144249.2), dbSNP rs1407815727, ClinGen allele CA364383976.
Genomic context (GRCh38, chr6:63,721,243, plus strand): 5'-TTTCACAATACCTTCCCACCCAACCCAAAGTACACAGGCAACTGTAAGAAAATGATTGGT[C>T]AGGTATACATAAAGATTGGTGGAGGCAAAGATTATTCAAACAGGACACAGACTGGTTACA-3'
Protein context (NP_001136272.1, residues 2920-2940): LCLHQSLCIP[Asp2930Asn]QSFSYSCLCT